The following is an entry in ClinVar:

NC_000012.11:g.(?_8211333)_(8248686_?)dup

Genes: C3AR1 (complement C3a receptor 1; minus strand), NECAP1 (NECAP endocytosis associated 1; plus strand). Cytogenetic location: 12p13.31.
Variant type: Duplication.
Identifiers: ClinVar variation 2426174 (VCV002426174.5).

ClinVar aggregate classification (germline): Uncertain significance (1 of 4 stars; one submission).

Conditions:
Developmental and epileptic encephalopathy, 21 (DEE21). Also called: Early infantile epileptic encephalopathy 21. Identifiers: Orphanet 442835, MedGen C4014430, MONDO:0014360, OMIM 615833.

Submission:

Labcorp Genetics (formerly Invitae), Labcorp
Classification: Uncertain significance for Developmental and epileptic encephalopathy, 21. Last evaluated: 2022-09-13. Review status: criteria provided, single submitter. Criteria: Invitae Variant Classification Sherloc (09022015). Collection method: clinical testing. Allele origin: germline.
Comment: A copy number gain of the genomic region encompassing the full coding sequence of the NECAP1 gene has been identified. The boundaries of this event are unknown as they extend beyond the assayed region for this gene and therefore may encompass additional genes. As the precise location of this event is unknown, it may be in tandem or it may be located elsewhere in the genome. This variant has not been reported in the literature in individuals affected with NECAP1-related conditions. In summary, the available evidence is currently insufficient to determine the role of this variant in disease. Therefore, it has been classified as a Variant of Uncertain Significance.